The following is an entry in ClinVar:

ClinVar aggregate classification (germline): Pathogenic. Review status: reviewed by expert panel (3 of 4 stars). 12 submissions from 12 submitters: Pathogenic (1). 11 of the submissions do not count toward it. Last evaluated 2022-04-15.

Conditions:
HNF1A-related disorder. Also called: HNF1A-related condition.
Monogenic diabetes. Identifiers: Orphanet 183625, MedGen C3888631, MONDO:0015967.
Hepatic adenomas, familial. Also called: LIVER CELL ADENOMAS, FAMILIAL; HEPATIC ADENOMA, SOMATIC. Identifiers: MedGen C1840646, MONDO:0007718, OMIM 142330.
Nonpapillary renal cell carcinoma. Identifiers: Orphanet 422526, MedGen CN074294, MONDO:0007763, OMIM 144700.
Type 2 diabetes mellitus. Also called: Type II diabetes mellitus. Identifiers: MedGen C0011860, MeSH D003924, MONDO:0005148, OMIM 125853, HP:0005978.
Type 1 diabetes mellitus 20 (T1D20). Also called: Diabetes mellitus, insulin-dependent, 20. Identifiers: MedGen C2675866, MONDO:0012919, OMIM 612520.
Maturity-onset diabetes of the young type 3. Also called: MODY type 3; MODY, type III. Identifiers: Orphanet 552, MedGen C1838100, MeSH C563933, MONDO:0010894, OMIM 600496. Disease mechanism: loss of function.
Diabetes mellitus type 1 (T1D). Also called: Diabetes Mellitus, Juvenile-Onset; Type I diabetes mellitus. Identifiers: MedGen C0011854, MONDO:0005147, OMIM 222100, HP:0100651.
Maturity-onset diabetes of the young (MODY). Also called: Maturity onset diabetes mellitus in young. Identifiers: Orphanet 552, MedGen C0342276, MONDO:0018911, HP:0004904.

Submissions 1 to 6 of 12:

ClinGen Monogenic Diabetes Variant Curation Expert Panel
Classification: Pathogenic for Monogenic diabetes. Last evaluated: 2022-04-15. Review status: reviewed by expert panel. Criteria: ClinGen Diabetes ACMG Specifications v1 1. Collection method: curation. Allele origin: germline. Inheritance: Autosomal dominant inheritance.
Comment: The c.814C>T variant in the HNF1 homeobox A gene, HNF1A, causes an amino acid change of arginine to cystine at codon 272 (p.(Arg272Cys) of transcript, e.g. NM_000545.8. This variant resides in an amino acid within the HNF1α DNA binding domain that directly binds DNA, which is defined as critical for the protein’s function by the ClinGen MDEP (PM1) and is absent from gnomAD v2.1.1 (PM2_Supporting). Additionally, this variant is predicted to be deleterious by computational evidence, with a REVEL score of 0.941, which is greater than the MDEP VCEP threshold of 0.70 (PP3). This variant was identified in at least 17 unrelated individuals with non- autoimmune and non-absolute/near-absolute insulin-deficient diabetes (PS4; PMIDs: 18003757, 28701371, 25414397, 11719843, 10447526; internal lab contributors). The variant segregated with diabetes, with at least fifteen informative meioses in at least sixteen families with MODY (PP1_Strong; internal lab contributors). Another missense variant, c. 815G>A, p.Arg272His, has been interpreted as pathogenic by the ClinGen MDEP and p.Arg272Cys has a greater Grantham distance (PM5). Functional studies demonstrated the p.Arg272Cys protein has DNA binding below 40% of wild type and transactivation below 40% of wildtype, indicating that this variant impacts protein function (PS3_Supporting; PMID: 10333057). Lastly, this variant was identified in at least five individuals with a clinical history highly specific for HNF1A-MODY (MODY probability calculator result >50%, negative genetic testing for HNF4A, and response to low dose sulfonylurea) (PP4_Moderate; internal lab contributors). In summary, c.814C>T, meets the criteria to be classified as pathogenic for monogenic diabetes. ACMG/AMP criteria applied, as specified by the ClinGen MDEP (specification version 1.1, approved 9/30/2021): PM1, PM2_Supporting, PP3, PS4, PP1_Strong, PM5, PS3_Supporting, PP4_Moderate.

PreventionGenetics, part of Exact Sciences
Classification: Pathogenic for HNF1A-related condition. Last evaluated: 2026-07-20. Review status: criteria provided, single submitter. Criteria: ACMG Guidelines, 2015. Collection method: clinical testing. Allele origin: germline. Not counted in ClinVar's aggregate classification.
Comment: The HNF1A c.814C>T variant is predicted to result in the amino acid substitution p.Arg272Cys. This variant has been reported in several individuals with maturity-onset diabetes of the young (MODY, see for example: Yoshiuchi et al. 1999. PubMed ID: 10333057; Bellanné-Chantelot et al. 2007. PubMed ID: 18003757; Delvecchio et al. 2014. PubMed ID: 25414397; Marucci et al. 2022. PubMed ID: 36227502), and was demonstrated to segregate with disease in at least one family across three generations (Kristinsson et al. 2001. PubMed ID: 11719843). In vitro functional studies support pathogenicity by demonstrating no detectable transactivation activity and impacting DNA binding when expressed in HeLa cells (Yoshiuchi et al. 1999. PubMed ID: 10333057), as well as resulting in insulin hypersecretion in patient cells (Hermann et al. 2023. PubMed ID: 36563694). This variant has not been reported in a large population database (gnomAD), indicating it is rare. This variant has been classified as pathogenic by the ClinGen Monogenic Diabetes Variant Curation Expert Panel. Additionally, several alternate missense changes impacting the same amino acid (p.Arg272Gly, p.Arg272His, p.Arg272Leu) have also been reported in individuals with MODY (Demirci et al. 2021. PubMed ID: 34171966; Table S3, Mirshahi et al. 2022. PubMed ID: 36257325). Taken together, the c.814C>T (p.Arg272Cys) variant is interpreted as pathogenic.

Labcorp Genetics (formerly Invitae), Labcorp
Classification: Pathogenic. Last evaluated: 2025-08-03. Review status: criteria provided, single submitter. Criteria: Invitae Variant Classification Sherloc (09022015). Collection method: clinical testing. Allele origin: germline. Not counted in ClinVar's aggregate classification.
Comment: This sequence change replaces arginine, which is basic and polar, with cysteine, which is neutral and slightly polar, at codon 272 of the HNF1A protein (p.Arg272Cys). This variant is not present in population databases (gnomAD no frequency). This missense change has been observed in individuals with maturity onset diabetes of the young (PMID: 10333057, 11719843, 16562587). ClinVar contains an entry for this variant (Variation ID: 447503). Invitae Evidence Modeling of protein sequence and biophysical properties (such as structural, functional, and spatial information, amino acid conservation, physicochemical variation, residue mobility, and thermodynamic stability) has been performed for this missense variant. However, the output from this modeling did not meet the statistical confidence thresholds required to predict the impact of this variant on HNF1A protein function. Experimental studies have shown that this missense change affects HNF1A function (PMID: 10333057). This variant disrupts the p.Arg272 amino acid residue in HNF1A. Other variant(s) that disrupt this residue have been determined to be pathogenic (PMID: 9032114, 21823540, 29439679). This suggests that this residue is clinically significant, and that variants that disrupt this residue are likely to be disease-causing. For these reasons, this variant has been classified as Pathogenic.

Victorian Clinical Genetics Services, Murdoch Childrens Research Institute
Classification: Pathogenic for Maturity-onset diabetes of the young type 3. Last evaluated: 2025-02-27. Review status: criteria provided, single submitter. Criteria: ACMG Guidelines, 2015. Collection method: clinical testing. Allele origin: germline. Affected: yes. Not counted in ClinVar's aggregate classification.
Comment: This variant is classified as Pathogenic. Evidence in support of pathogenic classification: Variant is absent from gnomAD (v2, v3 and v4); This variant has strong previous evidence of pathogenicity in unrelated individuals. This variant has been classified as pathogenic by multiple clinical laboratories in ClinVar, additionally, it has been classified as pathogenic by the ClinGen Monogenic Diabetes Variant Curation Expert Panel; Additional information: Variant is predicted to result in a missense amino acid change from arginine to cysteine; This variant is heterozygous; This gene is associated with autosomal dominant disease; Loss of function is a known mechanism of disease in this gene and is associated with maturity-onset diabetes of the young type III (MIM#600496).

Fulgent Genetics
Classification: Pathogenic for Type 2 diabetes mellitus; Hepatic adenomas, familial; Nonpapillary renal cell carcinoma; Diabetes mellitus type 1; Maturity-onset diabetes of the young type 3; Type 1 diabetes mellitus 20. Last evaluated: 2024-02-08. Review status: criteria provided, single submitter. Criteria: ACMG Guidelines, 2015. Collection method: clinical testing. Allele origin: germline. Not counted in ClinVar's aggregate classification.

Genetic Services Laboratory, University of Chicago
Classification: Pathogenic. Last evaluated: 2024-01-24. Review status: criteria provided, single submitter. Criteria: ACMG Guidelines, 2015. Collection method: clinical testing. Allele origin: germline. Affected: yes. Not counted in ClinVar's aggregate classification.
Comment: DNA sequence analysis of the HNF1A gene demonstrated a sequence change, c.814C>T, in exon 4 that results in an amino acid change, p.Arg272Cys. The p.Arg272Cys change affects a highly conserved amino acid residue located in a domain of the HNF1A protein that is known to be functional. The p.Arg272Cys substitution appears to be deleterious using several in-silico pathogenicity prediction tools (SIFT, PolyPhen2, Align GVGD, REVEL). This sequence change has previously been described in several individuals with maturity onset diabetes of the young (MODY) (PMID: 16562587, 36227502, 10333057, 10447526, 11719843, 25414397). This sequence change has not been described in population databases such as ExAC and gnomAD. Other missense sequence changes affecting the same amino acide reidues have also been described in individuals with MODY (PMID: 9032114, 21823540, 29439679, 23348805). Functional studies have shown that this sequence change had no transactivation activity and DNA binding activity, resulting in impaired insulin and glucagon secretion (PMID: 10333057). This sequence change has been classified as pathogenic by the ClinGen Monogenic Diabetes Variant Curation Expert Panel. Collectively, this evidence indicates that this sequence change is pathogenic.

NM_000545.8(HNF1A):c.814C>T (p.Arg272Cys)

Gene: HNF1A (HNF1 homeobox A; plus strand). Cytogenetic location: 12q24.31.
Variant type: single nucleotide variant.
Coding change: c.814C>T on transcript NM_000545.8 (MANE Select); coding-DNA position 814, C replaced by T.
Protein change: p.Arg272Cys; replaces arginine 272 with cysteine.
Molecular consequence: missense variant.
Genome position (GRCh38, 1-based): chr12:120,994,264, C>T. VCF-style: chr12-120994264-C-T. GRCh37 (hg19) VCF-style: chr12-121432067-C-T.
Other names: NM_000545.6(HNF1A):c.814C>T; p.Arg272Cys; c.814C>T, p.Arg272Cys (NM_001306179.2); c.814C>T (NM_000545.6); short protein forms R272C.
Identifiers: ClinVar variation 447503 (VCV000447503.26), dbSNP rs1555212014, ClinGen allele CA386966363.
Genomic context (GRCh38, chr12:120,994,264, plus strand): 5'-CAGGGGCTGGGCTCCAACCTCGTCACGGAGGTGCGTGTCTACAACTGGTTTGCCAACCGG[C>T]GCAAAGAAGAAGCCTTCCGGCACAAGCTGGCCATGGACACGTACAGCGGGCCCCCCCCAG-3'
Protein context (NP_000536.6, residues 262-282): VRVYNWFANR[Arg272Cys]KEEAFRHKLA